The following is an entry in ClinVar:

ClinVar aggregate classification (germline): Uncertain significance (1 of 4 stars; one submission).

Conditions:
Nephrolithiasis/nephrocalcinosis. Identifiers: MedGen CN580796.

Allele frequency attached by ClinVar (database versions not stated): gnomAD exomes below 0.00001.
gnomAD v4.1: 1 of 1,606,168 alleles (0.000062%); highest among the groups gnomAD compares: Non-Finnish European, 0.000085%; no homozygotes.

Submission:

Ambry Genetics
Classification: Uncertain significance for Nephrolithiasis/nephrocalcinosis. Last evaluated: 2023-05-18. Review status: criteria provided, single submitter. Criteria: Ambry Variant Classification Scheme 2023. Collection method: clinical testing. Allele origin: germline.
Comment: The p.G532R variant (also known as c.1594G>A), located in coding exon 4 of the CASR gene, results from a G to A substitution at nucleotide position 1594. The glycine at codon 532 is replaced by arginine, an amino acid with dissimilar properties. This amino acid position is conserved. In addition, this alteration is predicted to be deleterious by in silico analysis. Since supporting evidence is limited at this time, the clinical significance of this alteration remains unclear.

NM_000388.4(CASR):c.1594G>A (p.Gly532Arg)

Gene: CASR (calcium sensing receptor; plus strand). Cytogenetic location: 3q21.1.
Variant type: single nucleotide variant.
Coding change: c.1594G>A on transcript NM_000388.4 (MANE Select); coding-DNA position 1594, G replaced by A.
Protein change: p.Gly532Arg; replaces glycine 532 with arginine.
Molecular consequence: missense variant.
Genome position (GRCh38, 1-based): chr3:122,276,028, G>A. VCF-style: chr3-122276028-G-A. GRCh37 (hg19) VCF-style: chr3-121994875-G-A.
Other names: c.1594G>A, p.Gly532Arg (NM_001178065.2); short protein forms G532R.
Identifiers: ClinVar variation 3231507 (VCV003231507.1), dbSNP rs2473258526, ClinGen allele CA354155562.